The following is an entry in ClinVar:

ClinVar aggregate classification (germline): Uncertain significance (1 of 4 stars; one submission).

gnomAD v4.1: 2 of 1,612,570 alleles (0.00012%); highest among the groups gnomAD compares: Non-Finnish European, 0.00017%; no homozygotes.

Submission:

Ambry Genetics
Classification: Uncertain significance. Last evaluated: 2025-10-25. Review status: criteria provided, single submitter. Criteria: Ambry Variant Classification Scheme 2023. Collection method: clinical testing. Allele origin: germline.
Comment: The p.S865C variant (also known as c.2593A>T), located in coding exon 13 of the GEN1 gene, results from an A to T substitution at nucleotide position 2593. The serine at codon 865 is replaced by cysteine, an amino acid with dissimilar properties. This amino acid position is conserved. In addition, this alteration is predicted to be tolerated by in silico analysis. Based on the available evidence, the clinical significance of this variant remains unclear.

NM_001130009.3(GEN1):c.2593A>T (p.Ser865Cys)

Gene: GEN1 (GEN1 structure-specific endonuclease; plus strand). Cytogenetic location: 2p24.2.
Variant type: single nucleotide variant.
Coding change: c.2593A>T on transcript NM_001130009.3 (MANE Select); coding-DNA position 2593, A replaced by T.
Protein change: p.Ser865Cys; replaces serine 865 with cysteine.
Molecular consequence: missense variant.
Genome position (GRCh38, 1-based): chr2:17,781,805, A>T. VCF-style: chr2-17781805-A-T. GRCh37 (hg19) VCF-style: chr2-17963072-A-T.
Other names: c.2593A>T, p.Ser865Cys (NM_182625.5); short protein forms S865C.
Identifiers: ClinVar variation 4671483 (VCV004671483.1).